The following is an entry in ClinVar:

NM_022970.4(FGFR2):c.984C>A (p.Phe328Leu)

Gene: FGFR2 (fibroblast growth factor receptor 2; minus strand). Cytogenetic location: 10q26.13.
Variant type: single nucleotide variant.
Coding change: c.984C>A on transcript NM_022970.4 (MANE Plus Clinical); coding-DNA position 984, C replaced by A.
Protein change: p.Phe328Leu; replaces phenylalanine 328 with leucine.
Molecular consequence: missense variant. On other transcripts: non-coding transcript variant (1), intron variant (12).
Genome position (GRCh38, 1-based): chr10:121,518,785, G>T on the plus strand (C>A on the coding strand, the complement: FGFR2 is on the minus strand). VCF-style: chr10-121518785-G-T. GRCh37 (hg19) VCF-style: chr10-123278299-G-T.
Other names: c.984C>A, p.Phe328Leu (NM_001144913.1, NM_001441087.1); c.717C>A, p.Phe239Leu (NM_001144919.2, NM_001441088.1); c.749-3466C>A (NM_001144914.1); c.594+1194C>A (NM_001144918.2, NM_001441091.1, NM_001441090.1 and 1 more transcripts); c.672+1194C>A (NM_001441089.1, NM_023029.3, NM_001144915.2); c.939+1194C>A (NM_001144917.2, NM_001320658.2, NM_000141.5); c.255+1194C>A (NM_001320654.2); short protein forms F239L, F328L.
Identifiers: ClinVar variation 2575832 (VCV002575832.2), dbSNP rs2540084688, ClinGen allele CA378329856.

ClinVar aggregate classification (germline): Uncertain significance (1 of 4 stars; one submission).

Submission:

GeneDx
Classification: Uncertain significance. Last evaluated: 2025-12-22. Review status: criteria provided, single submitter. Criteria: GeneDx Variant Classification Process June 2021. Collection method: clinical testing. Allele origin: germline. Affected: yes.
Comment: Not observed at significant frequency in large population cohorts (gnomAD); In silico analysis supports a deleterious effect on splicing; Has not been previously published as pathogenic or benign to our knowledge; Reported using an alternate transcript of the gene; This variant is associated with the following publications: (PMID: 11781872, 29230096)